The following is an entry in ClinVar:

ClinVar aggregate classification (germline): Uncertain significance (1 of 4 stars; one submission).

Submission:

Labcorp Genetics (formerly Invitae), Labcorp
Classification: Uncertain significance. Last evaluated: 2024-08-29. Review status: criteria provided, single submitter. Criteria: Invitae Variant Classification Sherloc (09022015). Collection method: clinical testing. Allele origin: germline.
Comment: This sequence change replaces methionine, which is neutral and non-polar, with isoleucine, which is neutral and non-polar, at codon 149 of the RFWD3 protein (p.Met149Ile). This variant is present in population databases (rs558272217, gnomAD 0.06%). This variant has not been reported in the literature in individuals affected with RFWD3-related conditions. An algorithm developed to predict the effect of missense changes on protein structure and function outputs the following: PolyPhen-2: "Benign". The isoleucine amino acid residue is found in multiple mammalian species, which suggests that this missense change does not adversely affect protein function. In summary, the available evidence is currently insufficient to determine the role of this variant in disease. Therefore, it has been classified as a Variant of Uncertain Significance.

NM_018124.4(RFWD3):c.447G>C (p.Met149Ile)

Gene: RFWD3 (ring finger and WD repeat domain 3; minus strand). Cytogenetic location: 16q23.1.
Variant type: single nucleotide variant.
Coding change: c.447G>C on transcript NM_018124.4 (MANE Select); coding-DNA position 447, G replaced by C.
Protein change: p.Met149Ile; replaces methionine 149 with isoleucine.
Molecular consequence: missense variant. On other transcripts: 5 prime UTR variant (4), intron variant (1).
Genome position (GRCh38, 1-based): chr16:74,661,003, C>G on the plus strand (G>C on the coding strand, the complement: RFWD3 is on the minus strand). VCF-style: chr16-74661003-C-G. GRCh37 (hg19) VCF-style: chr16-74694901-C-G.
Other names: c.447G>C, p.Met149Ile (NM_001370534.1, NM_001370535.1, NM_001370536.1); c.-562G>C (NM_001370537.1); c.-185G>C (NM_001370539.1); c.-439G>C (NM_001370542.1); c.-317G>C (NM_001370543.1); c.-317+3621G>C (NM_001370540.1); short protein forms M149I.
Identifiers: ClinVar variation 3716981 (VCV003716981.2).